The following is an entry in ClinVar:

ClinVar aggregate classification (germline): Uncertain significance. Review status: criteria provided, multiple submitters, no conflicts (2 of 4 stars). 2 submissions from 2 submitters: Uncertain significance (2). Last evaluated 2026-06-09.

Conditions:
Inborn genetic diseases. Identifiers: MedGen C0950123, MeSH D030342.

Allele frequency attached by ClinVar (database versions not stated): TOPMed 0.00002; gnomAD exomes below 0.00001; gnomAD 0.00004.
gnomAD v4.1: 9 of 1,612,842 alleles (0.00056%); highest among the groups gnomAD compares: African/African-American, 0.008%; no homozygotes.

Submissions (2):

Ambry Genetics
Classification: Uncertain significance for Inborn genetic diseases. Last evaluated: 2026-06-09. Review status: criteria provided, single submitter. Criteria: Ambry Variant Classification Scheme 2023. Collection method: clinical testing. Allele origin: germline.

Labcorp Genetics (formerly Invitae), Labcorp
Classification: Uncertain significance. Last evaluated: 2024-06-17. Review status: criteria provided, single submitter. Criteria: Invitae Variant Classification Sherloc (09022015). Collection method: clinical testing. Allele origin: germline.
Comment: This sequence change replaces proline, which is neutral and non-polar, with serine, which is neutral and polar, at codon 1251 of the COL11A2 protein (p.Pro1251Ser). This variant is not present in population databases (gnomAD no frequency). This variant has not been reported in the literature in individuals affected with COL11A2-related conditions. ClinVar contains an entry for this variant (Variation ID: 1421126). Advanced modeling of protein sequence and biophysical properties (such as structural, functional, and spatial information, amino acid conservation, physicochemical variation, residue mobility, and thermodynamic stability) performed at Invitae indicates that this missense variant is not expected to disrupt COL11A2 protein function with a negative predictive value of 95%. In summary, the available evidence is currently insufficient to determine the role of this variant in disease. Therefore, it has been classified as a Variant of Uncertain Significance.

NM_080680.3(COL11A2):c.3751C>T (p.Pro1251Ser)

Gene: COL11A2 (collagen type XI alpha 2 chain; minus strand). Cytogenetic location: 6p21.32.
Variant type: single nucleotide variant.
Coding change: c.3751C>T on transcript NM_080680.3 (MANE Select); coding-DNA position 3751, C replaced by T.
Protein change: p.Pro1251Ser; replaces proline 1251 with serine.
Molecular consequence: missense variant.
Genome position (GRCh38, 1-based): chr6:33,169,430, G>A on the plus strand (C>T on the coding strand, the complement: COL11A2 is on the minus strand). VCF-style: chr6-33169430-G-A. GRCh37 (hg19) VCF-style: chr6-33137207-G-A.
Other names: c.3430C>T, p.Pro1144Ser (NM_080679.3); c.3493C>T, p.Pro1165Ser (NM_080681.3); c.3751C>T (NM_080680.2); short protein forms P1251S, P1144S, P1165S.
Identifiers: ClinVar variation 1421126 (VCV001421126.9), dbSNP rs1235422277, ClinGen allele CA363627710.
Genomic context (GRCh38, chr6:33,169,430, plus strand): 5'-GCCCCAAACTCACAGGGTTCCCTTTGGGGCCATCATCGCCTGTGGGGCCTTTAGGCCCTG[G>A]TGGCCCTGGCTCTCCTGGCTGCCCCGACTCTCCTTTCTCTCCACGTTCCCCGCGTGGACC-3'
Protein context (NP_542411.2, residues 1241-1261): ESGQPGEPGP[Pro1251Ser]GPKGPTGDDG